The following is an entry in ClinVar:

NM_001048174.2(MUTYH):c.1150T>C (p.Ser384Pro)

Gene: MUTYH (mutY DNA glycosylase; minus strand). Cytogenetic location: 1p34.1.
Variant type: single nucleotide variant.
Coding change: c.1150T>C on transcript NM_001048174.2 (MANE Select); coding-DNA position 1150, T replaced by C.
Protein change: p.Ser384Pro; replaces serine 384 with proline.
Molecular consequence: missense variant. On other transcripts: non-coding transcript variant (2).
Genome position (GRCh38, 1-based): chr1:45,331,509, A>G on the plus strand (T>C on the coding strand, the complement: MUTYH is on the minus strand). VCF-style: chr1-45331509-A-G. GRCh37 (hg19) VCF-style: chr1-45797181-A-G.
Other names: c.1150T>C, p.Ser384Pro (NM_001048171.2, NM_001048173.2, NM_001293195.2); c.1153T>C, p.Ser385Pro (NM_001048172.2); c.1234T>C, p.Ser412Pro (NM_001128425.2); c.1195T>C, p.Ser399Pro (NM_001293190.2); c.1183T>C, p.Ser395Pro (NM_001293191.2); c.874T>C, p.Ser292Pro (NM_001293192.2, NM_001293196.2); c.805T>C, p.Ser269Pro (NM_001350650.2, NM_001350651.2); c.1225T>C, p.Ser409Pro (NM_012222.3); short protein forms S412P, S399P, S269P, S292P, S384P, S409P, S385P, S395P.
Identifiers: ClinVar variation 571810 (VCV000571810.11), dbSNP rs1557461219, ClinGen allele CA340133008.
Genomic context (GRCh38, chr1:45,331,509, plus strand): 5'-GGAGGGGCCCAGCCCAACGCTGTAGTTCCTGCAGCAGGGCCTTGCGCTGAAGCTGCTCTG[A>G]GGGCTCCCAGGTCACGGACGGGAACTCCCACAGTCCTGCCAGCAGACCTGAGAGGGAGGG-3'
Protein context (NP_001041639.1, residues 374-394): WEFPSVTWEP[Ser384Pro]EQLQRKALLQ

ClinVar aggregate classification (germline): Conflicting classifications of pathogenicity. Review status: criteria provided, conflicting classifications (1 of 4 stars). 3 submissions from 3 submitters: Uncertain significance (2); Benign (1). Last evaluated 2025-09-09.

Conditions:
Hereditary cancer-predisposing syndrome. Also called: Tumor predisposition; Neoplastic Syndromes, Hereditary; Hereditary neoplastic syndrome; Hereditary Cancer Syndrome. Identifiers: Orphanet 140162, MedGen C0027672, MeSH D009386, MONDO:0015356.
Familial adenomatous polyposis 2. Also called: MYH-associated polyposis; FAP type 2; COLORECTAL ADENOMATOUS POLYPOSIS, AUTOSOMAL RECESSIVE; ADENOMAS, MULTIPLE COLORECTAL, AUTOSOMAL RECESSIVE; MUTYH-related attenuated familial adenomatous polyposis; MUTYH Polyposis. Identifiers: Orphanet 220460, Orphanet 247798, MedGen C3272841, MONDO:0012041, OMIM 608456.

Allele frequency attached by ClinVar (database versions not stated): gnomAD 0.00001.
gnomAD v4.1: 1 of 1,614,012 alleles (0.000062%); highest among the groups gnomAD compares: African/African-American, 0.0013%; no homozygotes.

Submissions (3):

Ambry Genetics
Classification: Benign for Hereditary cancer-predisposing syndrome. Last evaluated: 2025-09-09. Review status: criteria provided, single submitter. Criteria: Ambry Variant Classification Scheme 2023. Collection method: clinical testing. Allele origin: germline.

All of Us Research Program, National Institutes of Health
Classification: Uncertain significance for Familial adenomatous polyposis 2. Last evaluated: 2023-05-04. Review status: criteria provided, single submitter. Criteria: ACMG Guidelines, 2015. Collection method: clinical testing. Allele origin: germline. Inheritance: Autosomal recessive inheritance. Observed: 1 variant allele, 1 heterozygote.
Comment: This missense variant replaces serine with proline at codon 412 of the MUTYH protein. Computational prediction suggests that this variant may not impact protein structure and function (internally defined REVEL score threshold <= 0.5, PMID: 27666373). To our knowledge, functional studies have not been reported for this variant. This variant has not been reported in individuals affected with MUTYH-related disorders in the literature. This variant has not been identified in the general population by the Genome Aggregation Database (gnomAD). The available evidence is insufficient to determine the role of this variant in disease conclusively. Therefore, this variant is classified as a Variant of Uncertain Significance.

This study involves interpretation of variants in research participants for the purpose of population health screening. Participant phenotype was not available at the time of variant classification. Additional details can be found in publication PMID: 35346344, PMCID: PMC8962531

Labcorp Genetics (formerly Invitae), Labcorp
Classification: Uncertain significance for Familial adenomatous polyposis 2. Last evaluated: 2022-03-17. Review status: criteria provided, single submitter. Criteria: Invitae Variant Classification Sherloc (09022015). Collection method: clinical testing. Allele origin: germline.
Comment: This sequence change replaces serine, which is neutral and polar, with proline, which is neutral and non-polar, at codon 412 of the MUTYH protein (p.Ser412Pro). This variant is not present in population databases (gnomAD no frequency). This variant has not been reported in the literature in individuals affected with MUTYH-related conditions. ClinVar contains an entry for this variant (Variation ID: 571810). Algorithms developed to predict the effect of missense changes on protein structure and function output the following: SIFT: "Tolerated"; PolyPhen-2: "Benign"; Align-GVGD: "Class C0". The proline amino acid residue is found in multiple mammalian species, which suggests that this missense change does not adversely affect protein function. In summary, the available evidence is currently insufficient to determine the role of this variant in disease. Therefore, it has been classified as a Variant of Uncertain Significance.